The following is an entry in ClinVar:

ClinVar aggregate classification (germline): Likely benign (1 of 4 stars; one submission).

Allele frequency attached by ClinVar (database versions not stated): ExAC 0.00004; gnomAD 0.00004; gnomAD exomes 0.00007; TOPMed 0.00005.
gnomAD v4.1: 107 of 1,613,760 alleles (0.0066%); highest among the groups gnomAD compares: African/African-American, 0.0093%; no homozygotes.

Submission:

CeGaT Center for Human Genetics Tuebingen
Classification: Likely benign. Last evaluated: 2023-01-01. Review status: criteria provided, single submitter. Criteria: CeGaT Center For Human Genetics Tuebingen Variant Classification Criteria Version 2. Collection method: clinical testing. Allele origin: germline. Affected: yes. Observed: 1 variant allele.
Comment: XPO5: BP4, BP7

NM_020750.3(XPO5):c.2982C>T (p.Asp994=)

Genes: POLR1C (RNA polymerase I and III subunit C; plus strand), XPO5 (exportin 5; minus strand). Cytogenetic location: 6p21.1.
Variant type: single nucleotide variant.
Coding change: c.2982C>T on transcript NM_020750.3 (MANE Select); coding-DNA position 2982, C replaced by T.
Protein change: p.Asp994=; no amino-acid change (aspartic acid 994 retained).
Molecular consequence: synonymous variant. On other transcripts: non-coding transcript variant (1), intron variant (2).
Genome position (GRCh38, 1-based): chr6:43,526,686, G>A on the plus strand (C>T on the coding strand, the complement: XPO5 is on the minus strand). VCF-style: chr6-43526686-G-A. GRCh37 (hg19) VCF-style: chr6-43494424-G-A.
Other names: c.922+5638G>A (NM_001363658.2); c.923-2563G>A (NM_001318876.2).
Identifiers: ClinVar variation 2656605 (VCV002656605.22), dbSNP rs201260819, ClinGen allele CA3825931.